The following is an entry in ClinVar:

NM_000081.4(LYST):c.6185G>C (p.Gly2062Ala)

Gene: LYST (lysosomal trafficking regulator; minus strand). Cytogenetic location: 1q42.3.
Variant type: single nucleotide variant.
Coding change: c.6185G>C on transcript NM_000081.4 (MANE Select); coding-DNA position 6185, G replaced by C.
Protein change: p.Gly2062Ala; replaces glycine 2062 with alanine.
Molecular consequence: missense variant.
Genome position (GRCh38, 1-based): chr1:235,762,788, C>G on the plus strand (G>C on the coding strand, the complement: LYST is on the minus strand). VCF-style: chr1-235762788-C-G. GRCh37 (hg19) VCF-style: chr1-235926088-C-G.
Other names: c.6185G>C, p.Gly2062Ala (NM_001301365.1); short protein forms G2062A.
Identifiers: ClinVar variation 1422479 (VCV001422479.3), dbSNP rs756651685, ClinGen allele CA1466428.

ClinVar aggregate classification (germline): Uncertain significance (1 of 4 stars; one submission).

Conditions:
Chédiak-Higashi syndrome (CHS). Also called: Chediak-Higashi Syndrome. Identifiers: Orphanet 167, MedGen C0007965, MONDO:0008963, OMIM 214500.

gnomAD v4.1: 21 of 1,612,932 alleles (0.0013%); highest among the groups gnomAD compares: Non-Finnish European, 0.0017%; no homozygotes.

Submission:

Labcorp Genetics (formerly Invitae), Labcorp
Classification: Uncertain significance for Chédiak-Higashi syndrome. Last evaluated: 2021-11-22. Review status: criteria provided, single submitter. Criteria: Invitae Variant Classification Sherloc (09022015). Collection method: clinical testing. Allele origin: germline.
Comment: This sequence change replaces glycine, which is neutral and non-polar, with alanine, which is neutral and non-polar, at codon 2062 of the LYST protein (p.Gly2062Ala). This variant is present in population databases (rs756651685, gnomAD 0.002%). This variant has not been reported in the literature in individuals affected with LYST-related conditions. Algorithms developed to predict the effect of missense changes on protein structure and function (SIFT, PolyPhen-2, Align-GVGD) all suggest that this variant is likely to be tolerated. In summary, the available evidence is currently insufficient to determine the role of this variant in disease. Therefore, it has been classified as a Variant of Uncertain Significance.